The following is an entry in ClinVar:

ClinVar aggregate classification (germline): Conflicting classifications of pathogenicity. Review status: criteria provided, conflicting classifications (1 of 4 stars). 4 submissions from 4 submitters: Uncertain significance (1); Likely benign (3). Last evaluated 2025-06-16.

Conditions:
Catecholaminergic polymorphic ventricular tachycardia (CVPT). Also called: Catecholamine-induced polymorphic ventricular tachycardia. Identifiers: Orphanet 3286, MedGen C5574922, MONDO:0017990.
Arrhythmogenic right ventricular dysplasia 2. Identifiers: MedGen C1832931.
Catecholaminergic polymorphic ventricular tachycardia 1. Also called: VENTRICULAR TACHYCARDIA, CATECHOLAMINERGIC POLYMORPHIC, 1, WITH OR WITHOUT ATRIAL DYSFUNCTION AND/OR DILATED CARDIOMYOPATHY; RYR2-Related Catecholaminergic Polymorphic Ventricular Tachycardia; VENTRICULAR TACHYCARDIA, STRESS-INDUCED POLYMORPHIC 1. Identifiers: Orphanet 3286, MedGen C1631597, MONDO:0011484, OMIM 604772.
Ventricular arrhythmias due to cardiac ryanodine receptor calcium release deficiency syndrome. Also called: Autosomal dominant cardiac arrhythmia (Kuhn). Identifiers: MedGen C5542154, MONDO:0020745, OMIM 115000.
Cardiomyopathy (CMYO). Also called: Cardiomyopathies. Identifiers: Orphanet 167848, MedGen C0878544, MONDO:0004994, HP:0001638. Inheritance: Various modes of inheritance.

Allele frequency attached by ClinVar (database versions not stated): TOPMed below 0.00001; gnomAD exomes 0.00001.
gnomAD v4.1: 16 of 1,574,018 alleles (0.001%); highest among the groups gnomAD compares: Middle Eastern, 0.017%; no homozygotes.

Submissions (4):

Labcorp Genetics (formerly Invitae), Labcorp
Classification: Uncertain significance for Catecholaminergic polymorphic ventricular tachycardia 1. Last evaluated: 2025-06-16. Review status: criteria provided, single submitter. Criteria: Invitae Variant Classification Sherloc (09022015). Collection method: clinical testing. Allele origin: germline.
Comment: This sequence change affects codon 4717 of the RYR2 mRNA. It is a 'silent' change, meaning that it does not change the encoded amino acid sequence of the RYR2 protein. It affects a nucleotide within the consensus splice site. This variant is present in population databases (no rsID available, gnomAD 0.002%). This variant has not been reported in the literature in individuals affected with RYR2-related conditions. ClinVar contains an entry for this variant (Variation ID: 922944). Algorithms developed to predict the effect of sequence changes on RNA splicing suggest that this variant is not likely to affect RNA splicing. In summary, the available evidence is currently insufficient to determine the role of this variant in disease. Therefore, it has been classified as a Variant of Uncertain Significance.

All of Us Research Program, National Institutes of Health
Classification: Likely benign for Catecholaminergic polymorphic ventricular tachycardia. Last evaluated: 2023-12-18. Review status: criteria provided, single submitter. Criteria: ACMG Guidelines, 2015. Collection method: clinical testing. Allele origin: germline. Inheritance: Autosomal dominant inheritance. Observed: 1 variant allele, 1 heterozygote.
Comment: This study involves interpretation of variants in research participants for the purpose of population health screening. Participant phenotype was not available at the time of variant classification. Additional details can be found in publication PMID: 35346344, PMCID: PMC8962531

Fulgent Genetics
Classification: Likely benign for Ventricular arrhythmias due to cardiac ryanodine receptor calcium release deficiency syndrome; Catecholaminergic polymorphic ventricular tachycardia 1. Last evaluated: 2021-08-11. Review status: criteria provided, single submitter. Criteria: ACMG Guidelines, 2015. Collection method: clinical testing. Allele origin: unknown.

Color Diagnostics, LLC DBA Color Health
Classification: Likely benign for Cardiomyopathy. Last evaluated: 2018-07-20. Review status: criteria provided, single submitter. Criteria: ACMG Guidelines, 2015. Collection method: clinical testing. Allele origin: germline.

NM_001035.3(RYR2):c.14151C>T (p.Asn4717=)

Gene: RYR2 (ryanodine receptor 2; plus strand). Cytogenetic location: 1q43.
Variant type: single nucleotide variant.
Coding change: c.14151C>T on transcript NM_001035.3 (MANE Select); coding-DNA position 14151, C replaced by T.
Protein change: p.Asn4717=; no amino-acid change (asparagine 4717 retained).
Molecular consequence: synonymous variant.
Genome position (GRCh38, 1-based): chr1:237,801,916, C>T. VCF-style: chr1-237801916-C-T. GRCh37 (hg19) VCF-style: chr1-237965216-C-T.
Identifiers: ClinVar variation 922944 (VCV000922944.8), dbSNP rs1479892874, ClinGen allele CA424051584.